The following is an entry in ClinVar:

ClinVar aggregate classification (germline): Pathogenic (1 of 4 stars; one submission).

Conditions:
Primary ciliary dyskinesia. Also called: Ciliary dyskinesia. Identifiers: Orphanet 244, MedGen C0008780, MONDO:0016575, HP:0012265.

Submission:

Labcorp Genetics (formerly Invitae), Labcorp
Classification: Pathogenic for Primary ciliary dyskinesia. Last evaluated: 2023-08-10. Review status: criteria provided, single submitter. Criteria: Invitae Variant Classification Sherloc (09022015). Collection method: clinical testing. Allele origin: germline.
Comment: This sequence change affects a donor splice site in intron 41 of the DNAH11 gene. It is expected to disrupt RNA splicing. Variants that disrupt the donor or acceptor splice site typically lead to a loss of protein function (PMID: 16199547), and loss-of-function variants in DNAH11 are known to be pathogenic (PMID: 18022865, 20513915, 22184204). This variant is not present in population databases (gnomAD no frequency). Disruption of this splice site has been observed in individual(s) with primary ciliary dyskinesia (Invitae). Algorithms developed to predict the effect of sequence changes on RNA splicing suggest that this variant may disrupt the consensus splice site. For these reasons, this variant has been classified as Pathogenic.

Literature cited by the submitters: PubMed 16199547; PubMed 18022865; PubMed 20513915; PubMed 22184204.

NM_001277115.2(DNAH11):c.6834+1G>T

Gene: DNAH11 (dynein axonemal heavy chain 11; plus strand). Cytogenetic location: 7p15.3.
Variant type: single nucleotide variant.
Coding change: c.6834+1G>T on transcript NM_001277115.2 (MANE Select); the canonical splice donor site of the intron after coding-DNA position 6834, G replaced by T.
Molecular consequence: splice donor variant.
Genome position (GRCh38, 1-based): chr7:21,710,704, G>T. VCF-style: chr7-21710704-G-T. GRCh37 (hg19) VCF-style: chr7-21750322-G-T.
Identifiers: ClinVar variation 2751727 (VCV002751727.3), dbSNP rs1263473412, ClinGen allele CA366941018.